The following is an entry in ClinVar:

ClinVar aggregate classification (germline): Uncertain significance. Review status: criteria provided, multiple submitters, no conflicts (2 of 4 stars). 2 submissions from 2 submitters: Uncertain significance (2). Last evaluated 2025-11-08.

Conditions:
Inborn genetic diseases. Identifiers: MedGen C0950123, MeSH D030342.

Allele frequency attached by ClinVar (database versions not stated): ExAC 0.00001.
gnomAD v4.1: 3 of 1,613,174 alleles (0.00019%); highest among the groups gnomAD compares: Non-Finnish European, 0.00025%; no homozygotes.

Submissions (2):

Ambry Genetics
Classification: Uncertain significance for Inborn genetic diseases. Last evaluated: 2025-11-08. Review status: criteria provided, single submitter. Criteria: Ambry Variant Classification Scheme 2023. Collection method: clinical testing. Allele origin: germline.

Labcorp Genetics (formerly Invitae), Labcorp
Classification: Uncertain significance. Last evaluated: 2024-08-29. Review status: criteria provided, single submitter. Criteria: Invitae Variant Classification Sherloc (09022015). Collection method: clinical testing. Allele origin: germline.
Comment: This sequence change replaces glutamic acid, which is acidic and polar, with aspartic acid, which is acidic and polar, at codon 121 of the RP1L1 protein (p.Glu121Asp). This variant is present in population databases (rs767785821, gnomAD 0.0009%). This variant has not been reported in the literature in individuals affected with RP1L1-related conditions. ClinVar contains an entry for this variant (Variation ID: 1968085). Invitae Evidence Modeling of protein sequence and biophysical properties (such as structural, functional, and spatial information, amino acid conservation, physicochemical variation, residue mobility, and thermodynamic stability) indicates that this missense variant is not expected to disrupt RP1L1 protein function with a negative predictive value of 80%. In summary, the available evidence is currently insufficient to determine the role of this variant in disease. Therefore, it has been classified as a Variant of Uncertain Significance.

NM_178857.6(RP1L1):c.363G>T (p.Glu121Asp)

Gene: RP1L1 (RP1 like 1). Cytogenetic location: 8p23.1.
Variant type: single nucleotide variant.
Coding change: c.363G>T on transcript NM_178857.6 (MANE Select); coding-DNA position 363, G replaced by T.
Protein change: p.Glu121Asp; replaces glutamic acid 121 with aspartic acid.
Molecular consequence: missense variant.
Genome position (GRCh38, 1-based): chr8:10,622,839, C>A on the plus strand (G>T on the coding strand, the complement: RP1L1 is on the minus strand). VCF-style: chr8-10622839-C-A. GRCh37 (hg19) VCF-style: chr8-10480349-C-A.
Other names: c.363G>T (NM_178857.5); short protein forms E121D.
Identifiers: ClinVar variation 1968085 (VCV001968085.6), dbSNP rs767785821, ClinGen allele CA4625738.
Genomic context (GRCh38, chr8:10,622,839, plus strand): 5'-GGTGCCTGGGGCTTCACGCTGGCCTTCGACATCCCGCAACTGCTGAGCAGTGGGGTTTCT[C>A]TCCTGTGGCCGGCCTGGTCCACTGGGGGTCTTGGGGGGCTTCTTATCAGAGCAGAGGTAG-3'
Protein context (NP_849188.4, residues 111-131): KTPSGPGRPQ[Glu121Asp]RNPTAQQLRD